The following is an entry in ClinVar:

NM_015102.5(NPHP4):c.2142T>A (p.Ala714=)

Gene: NPHP4 (nephrocystin 4; minus strand). Cytogenetic location: 1p36.31.
Variant type: single nucleotide variant.
Coding change: c.2142T>A on transcript NM_015102.5 (MANE Select); coding-DNA position 2142, T replaced by A.
Protein change: p.Ala714=; no amino-acid change (alanine 714 retained).
Molecular consequence: synonymous variant. On other transcripts: non-coding transcript variant (1).
Genome position (GRCh38, 1-based): chr1:5,904,618, A>T on the plus strand (T>A on the coding strand, the complement: NPHP4 is on the minus strand). VCF-style: chr1-5904618-A-T. GRCh37 (hg19) VCF-style: chr1-5964678-A-T.
Other names: c.603T>A, p.Ala201= (NM_001291593.2); c.606T>A, p.Ala202= (NM_001291594.2).
Identifiers: ClinVar variation 290903 (VCV000290903.15), dbSNP rs199912631, ClinGen allele CA554264.

ClinVar aggregate classification (germline): Conflicting classifications of pathogenicity. Review status: criteria provided, conflicting classifications (1 of 4 stars). 4 submissions from 4 submitters: Uncertain significance (2); Likely benign (1). 1 of the submissions does not count toward it. Last evaluated 2025-02-03.

Conditions:
NPHP4-related disorder. Also called: NPHP4-related disorders; NPHP4-related condition. Identifiers: MedGen CN239384.
Nephronophthisis. Also called: Juvenile Nephronophthisis. Identifiers: Orphanet 655, MedGen C0687120, MONDO:0019005, HP:0000090.

Allele frequency attached by ClinVar (database versions not stated): gnomAD exomes 0.00005; ExAC 0.00006; gnomAD 0.00023 and 0.00026; ESP Exome Variant Server 0.00024; TOPMed 0.00035.
gnomAD v4.1: 79 of 1,604,404 alleles (0.0049%); highest among the groups gnomAD compares: African/African-American, 0.088%; no homozygotes.

Submissions (4):

Labcorp Genetics (formerly Invitae), Labcorp
Classification: Uncertain significance for Nephronophthisis. Last evaluated: 2025-02-03. Review status: criteria provided, single submitter. Criteria: Invitae Variant Classification Sherloc (09022015). Collection method: clinical testing. Allele origin: germline.
Comment: This sequence change affects codon 714 of the NPHP4 mRNA. It is a 'silent' change, meaning that it does not change the encoded amino acid sequence of the NPHP4 protein. It affects a nucleotide within the consensus splice site. This variant is present in population databases (rs199912631, gnomAD 0.08%). This variant has not been reported in the literature in individuals affected with NPHP4-related conditions. ClinVar contains an entry for this variant (Variation ID: 290903). Algorithms developed to predict the effect of sequence changes on RNA splicing suggest that this variant is not likely to affect RNA splicing. In summary, the available evidence is currently insufficient to determine the role of this variant in disease. Therefore, it has been classified as a Variant of Uncertain Significance.

Blueprint Genetics
Classification: Likely benign. Last evaluated: 2024-07-30. Review status: criteria provided, single submitter. Criteria: ACMG Guidelines, 2015. Collection method: clinical testing. Allele origin: germline.

Eurofins Ntd Llc (ga)
Classification: Uncertain significance. Last evaluated: 2017-11-10. Review status: criteria provided, single submitter. Criteria: EGL Classification Definitions 2015. Collection method: clinical testing. Allele origin: germline. Observed: 4 variant alleles, 4 heterozygotes.

PreventionGenetics, part of Exact Sciences
Classification: Likely benign for NPHP4-related condition. Last evaluated: 2019-04-10. Review status: no assertion criteria provided. Collection method: clinical testing. Allele origin: germline. Not counted in ClinVar's aggregate classification.
Comment: This variant is classified as likely benign based on ACMG/AMP sequence variant interpretation guidelines (Richards et al. 2015 PMID: 25741868, with internal and published modifications).